The following is an entry in ClinVar:

NM_000089.4(COL1A2):c.1534C>G (p.His512Asp)

Gene: COL1A2 (collagen type I alpha 2 chain; plus strand). Cytogenetic location: 7q21.3.
Variant type: single nucleotide variant.
Coding change: c.1534C>G on transcript NM_000089.4 (MANE Select); coding-DNA position 1534, C replaced by G.
Protein change: p.His512Asp; replaces histidine 512 with aspartic acid.
Molecular consequence: missense variant.
Genome position (GRCh38, 1-based): chr7:94,413,113, C>G. VCF-style: chr7-94413113-C-G. GRCh37 (hg19) VCF-style: chr7-94042425-C-G.
Other names: short protein forms H512D.
Identifiers: ClinVar variation 5019544 (VCV005019544.2).
Genomic context (GRCh38, chr7:94,413,113, plus strand): 5'-TCTTTGTTTTGTTTTTCATTTTTACTCTAGGGTGATCCTGGCAAAAACGGTGATAAAGGT[C>G]ATGCTGGTCTTGCTGGTGCTCGGGTAGGTGCTAACTTGTGTACAGATCTATTCACATAGC-3'
Protein context (NP_000080.2, residues 502-522): GDPGKNGDKG[His512Asp]AGLAGARGAP

ClinVar aggregate classification (germline): Uncertain significance (1 of 4 stars; one submission).

Conditions:
Ehlers-Danlos syndrome, cardiac valvular type. Identifiers: Orphanet 230851, MedGen C4303789, MONDO:0009159, OMIM 225320.
Osteogenesis imperfecta, perinatal lethal (OI2). Also called: OSTEOGENESIS IMPERFECTA, TYPE II; Osteogenesis imperfecta, dominant perinatal lethal; OI, TYPE II; OSTEOGENESIS IMPERFECTA CONGENITA; Osteogenesis imperfecta type 2; VROLIK TYPE OF OSTEOGENESIS IMPERFECTA. Identifiers: Orphanet 216804, MedGen C0268358, MONDO:0008147, OMIM 166210.
Osteogenesis imperfecta type III (OI3). Also called: Osteogenesis imperfecta type 3; OI type 3; Osteogenesis imperfecta, progressively deforming with normal sclerae; OI type III; Progressively Deforming Osteogenesis Imperfecta. Identifiers: Orphanet 216812, Orphanet 666, MedGen C0268362, MONDO:0009804, OMIM 259420.
Ehlers-Danlos syndrome, arthrochalasia type, 2. Also called: EHLERS-DANLOS SYNDROME, TYPE VIIB, AUTOSOMAL DOMINANT. Identifiers: MedGen CN293783, MONDO:0040501, OMIM 617821.
Osteogenesis imperfecta with normal sclerae, dominant form (OI4). Also called: OSTEOGENESIS IMPERFECTA WITH NORMAL SCLERAE; Osteogenesis imperfecta type 4; OSTEOGENESIS IMPERFECTA, TYPE IV, WITH DENTINOGENESIS IMPERFECTA; Osteogenesis Imperfecta Type IV; Common Variable Osteogenesis Imperfecta with Normal Sclerae. Identifiers: Orphanet 216820, Orphanet 666, MedGen C0268363, MONDO:0008148, OMIM 166220.
Combined osteogenesis imperfecta and Ehlers-Danlos syndrome 2. Also called: OIEDS SYNDROME 2. Identifiers: MedGen C5436847, MONDO:0030855, OMIM 619120.
Osteoporosis. Identifiers: MedGen C0029456, MONDO:0005298, OMIM 166710, HP:0000939.

Submission:

Juno Genomics, Hangzhou Juno Genomics, Inc
Classification: Uncertain significance for Osteoporosis; Combined osteogenesis imperfecta and Ehlers-Danlos syndrome 2; Ehlers-Danlos syndrome, arthrochalasia type, 2; Ehlers-Danlos syndrome, cardiac valvular type; Osteogenesis imperfecta, perinatal lethal; Osteogenesis imperfecta type III; Osteogenesis imperfecta with normal sclerae, dominant form. Review status: criteria provided, single submitter. Criteria: ACMG Guidelines, 2015. Collection method: clinical testing. Allele origin: germline.
Comment: Absent from controls (or at extremely low frequency if recessive) in Genome Aggregation Database.;Missense variant in a gene that has a low rate of benign missense variation.